The following is an entry in ClinVar:

NM_004985.5(KRAS):c.388G>C (p.Ala130Pro)

Gene: KRAS (KRAS proto-oncogene, GTPase; minus strand). Cytogenetic location: 12p12.1.
Variant type: single nucleotide variant.
Coding change: c.388G>C on transcript NM_004985.5 (MANE Select); coding-DNA position 388, G replaced by C.
Protein change: p.Ala130Pro; replaces alanine 130 with proline.
Molecular consequence: missense variant.
Genome position (GRCh38, 1-based): chr12:25,225,676, C>G on the plus strand (G>C on the coding strand, the complement: KRAS is on the minus strand). VCF-style: chr12-25225676-C-G. GRCh37 (hg19) VCF-style: chr12-25378610-C-G.
Other names: c.388G>C, p.Ala130Pro (NM_001369786.1, NM_001369787.1, NM_033360.4); short protein forms A130P.
Identifiers: ClinVar variation 4688456 (VCV004688456.1).

ClinVar aggregate classification (germline): Uncertain significance (1 of 4 stars; one submission).

gnomAD v4.1: 9 of 1,613,098 alleles (0.00056%); highest among the groups gnomAD compares: African/African-American, 0.0027%; no homozygotes.

Submission:

Women's Health and Genetics/Laboratory Corporation of America, LabCorp
Classification: Uncertain significance. Last evaluated: 2025-12-09. Review status: criteria provided, single submitter. Criteria: LabCorp Variant Classification Summary - May 2015. Collection method: clinical testing. Allele origin: germline.
Comment: Variant summary: KRAS c.388G>C (p.Ala130Pro) results in a non-conservative amino acid change in the encoded protein sequence. Algorithms developed to predict the effect of missense changes on protein structure and function all suggest that this variant is likely to be disruptive. The variant was absent in 251168 control chromosomes. The available data on variant occurrences in the general population are insufficient to allow any conclusion about variant significance. To our knowledge, no occurrence of c.388G>C in individuals affected with KRAS-related conditions and no experimental evidence demonstrating its impact on protein function have been reported. No submitters have cited clinical-significance assessments for this variant to ClinVar. Based on the evidence outlined above, the variant was classified as uncertain significance.